The following is an entry in ClinVar:

NM_002618.4(PEX13):c.115T>G (p.Leu39Val)

Gene: PEX13 (peroxisomal biogenesis factor 13; plus strand). Cytogenetic location: 2p15.
Variant type: single nucleotide variant.
Coding change: c.115T>G on transcript NM_002618.4 (MANE Select); coding-DNA position 115, T replaced by G.
Protein change: p.Leu39Val; replaces leucine 39 with valine.
Molecular consequence: missense variant.
Genome position (GRCh38, 1-based): chr2:61,031,441, T>G. VCF-style: chr2-61031441-T-G. GRCh37 (hg19) VCF-style: chr2-61258576-T-G.
Other names: c.115T>G (NM_002618.3); short protein forms L39V.
Identifiers: ClinVar variation 2103856 (VCV002103856.2), dbSNP rs778942066, ClinGen allele CA1673237.

ClinVar aggregate classification (germline): Uncertain significance. Review status: criteria provided, multiple submitters, no conflicts (2 of 4 stars). 2 submissions from 2 submitters: Uncertain significance (2). Last evaluated 2025-08-31.

Conditions:
Peroxisome biogenesis disorder 11A (Zellweger). Also called: Peroxisome biogenesis disorder 11A. Identifiers: Orphanet 912, MedGen C3554000, MONDO:0013949, OMIM 614883.
Inborn genetic diseases. Identifiers: MedGen C0950123, MeSH D030342.

Allele frequency attached by ClinVar (database versions not stated): ExAC 0.00001; gnomAD 0.00001; gnomAD exomes 0.00001; TOPMed 0.00002.
gnomAD v4.1: 14 of 1,614,026 alleles (0.00087%); highest among the groups gnomAD compares: African/African-American, 0.0013%; no homozygotes.

Submissions (2):

Ambry Genetics
Classification: Uncertain significance for Inborn genetic diseases. Last evaluated: 2025-08-31. Review status: criteria provided, single submitter. Criteria: Ambry Variant Classification Scheme 2023. Collection method: clinical testing. Allele origin: germline.

Labcorp Genetics (formerly Invitae), Labcorp
Classification: Uncertain significance for Peroxisome biogenesis disorder 11A (Zellweger). Last evaluated: 2022-04-15. Review status: criteria provided, single submitter. Criteria: Invitae Variant Classification Sherloc (09022015). Collection method: clinical testing. Allele origin: germline.
Comment: This sequence change replaces leucine, which is neutral and non-polar, with valine, which is neutral and non-polar, at codon 39 of the PEX13 protein (p.Leu39Val). This variant is present in population databases (rs778942066, gnomAD 0.002%). This variant has not been reported in the literature in individuals affected with PEX13-related conditions. Algorithms developed to predict the effect of missense changes on protein structure and function (SIFT, PolyPhen-2, Align-GVGD) all suggest that this variant is likely to be tolerated. In summary, the available evidence is currently insufficient to determine the role of this variant in disease. Therefore, it has been classified as a Variant of Uncertain Significance.